The following is an entry in ClinVar:

NM_030943.4(AMN):c.311del (p.Phe104fs)

Gene: AMN (amnion associated transmembrane protein; plus strand). Cytogenetic location: 14q32.32.
Variant type: Deletion.
Coding change: c.311del on transcript NM_030943.4 (MANE Select); coding-DNA position 311, one base deleted (T; older notation c.311delT).
Protein change: p.Phe104fs; shifts the reading frame from phenylalanine 104.
Molecular consequence: frameshift variant.
Genome position (GRCh38, 1-based): chr14:102,928,773, T deleted; the last of 2 consecutive T bases (chr14:102,928,772-102,928,773); deleting either gives the same sequence. VCF-style (leftmost placement, unchanged base first): chr14-102928771-CT-C. GRCh37 (hg19) VCF-style: chr14-103395108-CT-C.
Other names: c.149del, p.Phe50fs (NM_001425246.1); short protein forms F104fs, F50fs.
Identifiers: ClinVar variation 4855611 (VCV004855611.1).

ClinVar aggregate classification (germline): Likely pathogenic (1 of 4 stars; one submission).

Conditions:
Imerslund-Grasbeck syndrome type 2. Also called: Megaloblastic anemia 1, Norwegian type; MEGALOBLASTIC ANEMIA, NORWEGIAN TYPE; Imerslund-Gräsbeck syndrome 2. Identifiers: MedGen C4016948, MONDO:0100157, OMIM 618882.

Submission:

3billion
Classification: Likely pathogenic for Imerslund-Grasbeck syndrome type 2. Last evaluated: 2025-05-16. Review status: criteria provided, single submitter. Criteria: ACMG Guidelines, 2015. Collection method: clinical testing. Allele origin: germline. Affected: yes.
Comment: The variant is not observed in the gnomAD v4.1.0 dataset. Predicted Consequence/Location: Frameshift: predicted to result in a loss or disruption of normal protein function through nonsense-mediated decay (NMD) or protein truncation. Multiple pathogenic variants are reported downstream of the variant. Therefore, this variant is classified as Likely pathogenic according to the recommendation of ACMG/AMP guideline.